The following is an entry in ClinVar:

NM_002230.4(JUP):c.1636A>C (p.Thr546Pro)

Gene: JUP (junction plakoglobin; minus strand). Cytogenetic location: 17q21.2.
Variant type: single nucleotide variant.
Coding change: c.1636A>C on transcript NM_002230.4 (MANE Select); coding-DNA position 1636, A replaced by C.
Protein change: p.Thr546Pro; replaces threonine 546 with proline.
Molecular consequence: missense variant.
Genome position (GRCh38, 1-based): chr17:41,758,732, T>G on the plus strand (A>C on the coding strand, the complement: JUP is on the minus strand). VCF-style: chr17-41758732-T-G. GRCh37 (hg19) VCF-style: chr17-39914984-T-G.
Other names: c.1636A>C, p.Thr546Pro (NM_001352774.2, NM_001352775.2, NM_001352776.2 and 3 more transcripts); short protein forms T546P.
Identifiers: ClinVar variation 3602271 (VCV003602271.2).

ClinVar aggregate classification (germline): Uncertain significance. Review status: criteria provided, multiple submitters, no conflicts (2 of 4 stars). 2 submissions from 2 submitters: Uncertain significance (2). Last evaluated 2025-08-31.

Conditions:
Cardiovascular phenotype. Identifiers: MedGen CN230736.

Submissions (2):

Ambry Genetics
Classification: Uncertain significance for Cardiovascular phenotype. Last evaluated: 2025-08-31. Review status: criteria provided, single submitter. Criteria: Ambry Variant Classification Scheme 2023. Collection method: clinical testing. Allele origin: germline.

GeneDx
Classification: Uncertain significance. Last evaluated: 2024-07-29. Review status: criteria provided, single submitter. Criteria: GeneDx Variant Classification Process June 2021. Collection method: clinical testing. Allele origin: germline. Affected: yes.
Comment: Has not been previously published as pathogenic or benign to our knowledge; Not observed at significant frequency in large population cohorts (gnomAD); In silico analysis indicates that this missense variant does not alter protein structure/function